The following is an entry in ClinVar:

NM_024589.3(ROGDI):c.408C>A (p.Phe136Leu)

Gene: ROGDI (rogdi atypical leucine zipper; minus strand). Cytogenetic location: 16p13.3.
Variant type: single nucleotide variant.
Coding change: c.408C>A on transcript NM_024589.3 (MANE Select); coding-DNA position 408, C replaced by A.
Protein change: p.Phe136Leu; replaces phenylalanine 136 with leucine.
Molecular consequence: missense variant. On other transcripts: non-coding transcript variant (1).
Genome position (GRCh38, 1-based): chr16:4,799,710, G>T on the plus strand (C>A on the coding strand, the complement: ROGDI is on the minus strand). VCF-style: chr16-4799710-G-T. GRCh37 (hg19) VCF-style: chr16-4849711-G-T.
Other names: short protein forms F136L.
Identifiers: ClinVar variation 1987315 (VCV001987315.3), dbSNP rs763531300, ClinGen allele CA394653251.

ClinVar aggregate classification (germline): Uncertain significance (1 of 4 stars; one submission).

Conditions:
Amelocerebrohypohidrotic syndrome (KTZS). Also called: EPILEPSY AND YELLOW TEETH; EPILEPSY, DEMENTIA, AND AMELOGENESIS IMPERFECTA; KOHLSCHUTTER SYNDROME; Kohlschutter's syndrome. Identifiers: Orphanet 1946, MedGen C0406740, MONDO:0009185, OMIM 226750.

gnomAD v4.1: 1 of 1,613,616 alleles (0.000062%); highest among the groups gnomAD compares: Middle Eastern, 0.017%; no homozygotes.

Submission:

Labcorp Genetics (formerly Invitae), Labcorp
Classification: Uncertain significance for Amelocerebrohypohidrotic syndrome. Last evaluated: 2022-02-17. Review status: criteria provided, single submitter. Criteria: Invitae Variant Classification Sherloc (09022015). Collection method: clinical testing. Allele origin: germline.
Comment: This variant has not been reported in the literature in individuals affected with ROGDI-related conditions. This variant is not present in population databases (gnomAD no frequency). This sequence change replaces phenylalanine, which is neutral and non-polar, with leucine, which is neutral and non-polar, at codon 136 of the ROGDI protein (p.Phe136Leu). Algorithms developed to predict the effect of missense changes on protein structure and function are either unavailable or do not agree on the potential impact of this missense change (SIFT: "Tolerated"; PolyPhen-2: "Probably Damaging"; Align-GVGD: "Class C0"). In summary, the available evidence is currently insufficient to determine the role of this variant in disease. Therefore, it has been classified as a Variant of Uncertain Significance.